The following is an entry in ClinVar:

NM_003482.4(KMT2D):c.6464C>T (p.Ser2155Leu)

Gene: KMT2D (lysine methyltransferase 2D; minus strand). Cytogenetic location: 12q13.12.
Variant type: single nucleotide variant.
Coding change: c.6464C>T on transcript NM_003482.4 (MANE Select); coding-DNA position 6464, C replaced by T.
Protein change: p.Ser2155Leu; replaces serine 2155 with leucine.
Molecular consequence: missense variant.
Genome position (GRCh38, 1-based): chr12:49,041,306, G>A on the plus strand (C>T on the coding strand, the complement: KMT2D is on the minus strand). VCF-style: chr12-49041306-G-A. GRCh37 (hg19) VCF-style: chr12-49435089-G-A.
Other names: c.6464C>T (NM_003482.3); short protein forms S2155L.
Identifiers: ClinVar variation 1359299 (VCV001359299.9), dbSNP rs776944266, ClinGen allele CA6547262.

ClinVar aggregate classification (germline): Conflicting classifications of pathogenicity. Review status: criteria provided, conflicting classifications (1 of 4 stars). 4 submissions from 4 submitters: Uncertain significance (1); Benign (1); Likely benign (2). Last evaluated 2025-04-14.

Conditions:
KMT2D-related disorder. Also called: KMT2D-Related Disorders.
Kabuki syndrome. Also called: Kabuki make-up syndrome; NIIKAWA-KUROKI SYNDROME. Identifiers: Orphanet 2322, MedGen C0796004, MONDO:0016512.

Allele frequency attached by ClinVar (database versions not stated): gnomAD 0.00002; gnomAD exomes 0.00002 and 0.00004; ExAC 0.00005.
gnomAD v4.1: 33 of 1,529,896 alleles (0.0022%); highest among the groups gnomAD compares: Middle Eastern, 0.035%; no homozygotes.

Submissions (4):

Labcorp Genetics (formerly Invitae), Labcorp
Classification: Benign for Kabuki syndrome. Last evaluated: 2025-04-14. Review status: criteria provided, single submitter. Criteria: Invitae Variant Classification Sherloc (09022015). Collection method: clinical testing. Allele origin: germline.

PreventionGenetics, part of Exact Sciences
Classification: Likely benign for KMT2D-related condition. Last evaluated: 2025-03-04. Review status: criteria provided, single submitter. Criteria: ACMG Guidelines, 2015. Collection method: clinical testing. Allele origin: germline.
Comment: This variant is classified as likely benign based on ACMG/AMP sequence variant interpretation guidelines (Richards et al. 2015 PMID: 25741868, with internal and published modifications).

Blueprint Genetics
Classification: Likely benign. Last evaluated: 2024-10-11. Review status: criteria provided, single submitter. Criteria: ACMG Guidelines, 2015. Collection method: clinical testing. Allele origin: germline.

Breakthrough Genomics
Classification: Uncertain significance. Review status: criteria provided, single submitter. Criteria: ACMG Guidelines, 2015. Collection method: not provided. Allele origin: germline. Inheritance: Autosomal dominant inheritance. Affected: yes.